The following is an entry in ClinVar:

ClinVar aggregate classification (germline): Uncertain significance (1 of 4 stars; one submission).

Conditions:
Emery-Dreifuss muscular dystrophy 4, autosomal dominant (EDMD4). Also called: EMERY-DREIFUSS MUSCULAR DYSTROPHY 4 WITH VARIABLE FEATURES. Identifiers: Orphanet 261, MedGen C2751807, MONDO:0013071, OMIM 612998.
Autosomal recessive ataxia, Beauce type. Also called: Spinocerebellar ataxia, autosomal recessive 8; ATAXIA, RECESSIVE, OF BEAUCE; SYNE1-Related Autosomal Recessive Cerebellar Ataxia; SYNE1 Deficiency. Identifiers: Orphanet 88644, MedGen C1853116, MONDO:0012549, OMIM 610743.

Allele frequency attached by ClinVar (database versions not stated): gnomAD exomes below 0.00001.
gnomAD v4.1: 1 of 1,613,324 alleles (0.000062%); highest among the groups gnomAD compares: Non-Finnish European, 0.000085%; no homozygotes.

Submission:

Labcorp Genetics (formerly Invitae), Labcorp
Classification: Uncertain significance for Emery-Dreifuss muscular dystrophy 4, autosomal dominant; Autosomal recessive ataxia, Beauce type. Last evaluated: 2022-11-29. Review status: criteria provided, single submitter. Criteria: Invitae Variant Classification Sherloc (09022015). Collection method: clinical testing. Allele origin: germline.
Comment: This variant is not present in population databases (gnomAD no frequency). This sequence change falls in intron 5 of the SYNE1 gene. It does not directly change the encoded amino acid sequence of the SYNE1 protein. It affects a nucleotide within the consensus splice site. This variant has not been reported in the literature in individuals affected with SYNE1-related conditions. In summary, the available evidence is currently insufficient to determine the role of this variant in disease. Therefore, it has been classified as a Variant of Uncertain Significance. Variants that disrupt the consensus splice site are a relatively common cause of aberrant splicing (PMID: 17576681, 9536098). Algorithms developed to predict the effect of sequence changes on RNA splicing suggest that this variant is not likely to affect RNA splicing. ClinVar contains an entry for this variant (Variation ID: 935834).

Literature cited by the submitters: PubMed 17576681; PubMed 9536098.

NM_182961.4(SYNE1):c.309+3A>G

Gene: SYNE1 (spectrin repeat containing nuclear envelope protein 1; minus strand). Cytogenetic location: 6q25.2.
Variant type: single nucleotide variant.
Coding change: c.309+3A>G on transcript NM_182961.4 (MANE Select); 3 bases into the intron after coding-DNA position 309, A replaced by G.
Molecular consequence: intron variant.
Genome position (GRCh38, 1-based): chr6:152,520,456, T>C on the plus strand (A>G on the coding strand, the complement: SYNE1 is on the minus strand). VCF-style: chr6-152520456-T-C. GRCh37 (hg19) VCF-style: chr6-152841591-T-C.
Other names: c.309+3A>G (NM_033071.5).
Identifiers: ClinVar variation 935834 (VCV000935834.7), dbSNP rs2099133351, ClinGen allele CA1139659875.